The following is an entry in ClinVar:

NM_002739.5(PRKCG):c.1563C>T (p.Tyr521=)

Gene: PRKCG (protein kinase C gamma; plus strand). Cytogenetic location: 19q13.42.
Variant type: single nucleotide variant.
Coding change: c.1563C>T on transcript NM_002739.5 (MANE Select); coding-DNA position 1563, C replaced by T.
Protein change: p.Tyr521=; no amino-acid change (tyrosine 521 retained).
Molecular consequence: synonymous variant.
Genome position (GRCh38, 1-based): chr19:53,900,737, C>T. VCF-style: chr19-53900737-C-T. GRCh37 (hg19) VCF-style: chr19-54403991-C-T.
Other names: c.1563C>T, p.Tyr521= (NM_001316329.2).
Identifiers: ClinVar variation 4084605 (VCV004084605.8).

ClinVar aggregate classification (germline): Uncertain significance (1 of 4 stars; one submission).

gnomAD v4.1: 13 of 1,614,214 alleles (0.00081%); highest among the groups gnomAD compares: Admixed American, 0.015%; no homozygotes.

Submission:

CeGaT Center for Human Genetics Tuebingen
Classification: Uncertain significance. Last evaluated: 2025-08-01. Review status: criteria provided, single submitter. Criteria: CeGaT Center For Human Genetics Tuebingen Variant Classification Criteria Version 2. Collection method: clinical testing. Allele origin: germline. Affected: yes. Observed: 1 variant allele.
Comment: PRKCG: PM2, BP4